The following is an entry in ClinVar:

NM_007194.4(CHEK2):c.1181A>T (p.Glu394Val)

Gene: CHEK2 (checkpoint kinase 2; minus strand). Cytogenetic location: 22q12.1.
Variant type: single nucleotide variant.
Coding change: c.1181A>T on transcript NM_007194.4 (MANE Select); coding-DNA position 1181, A replaced by T.
Protein change: p.Glu394Val; replaces glutamic acid 394 with valine.
Molecular consequence: missense variant.
Genome position (GRCh38, 1-based): chr22:28,695,788, T>A on the plus strand (A>T on the coding strand, the complement: CHEK2 is on the minus strand). VCF-style: chr22-28695788-T-A. GRCh37 (hg19) VCF-style: chr22-29091776-T-A.
Other names: c.1310A>T, p.Glu437Val (NM_001005735.3); c.518A>T, p.Glu173Val (NM_001257387.3); c.980A>T, p.Glu327Val (NM_001349956.3); c.1094A>T, p.Glu365Val (NM_145862.3); short protein forms E173V, E394V, E327V, E365V, E437V.
Identifiers: ClinVar variation 3643541 (VCV003643541.2).

ClinVar aggregate classification (germline): Uncertain significance (1 of 4 stars; one submission).

Conditions:
Familial cancer of breast. Also called: hereditary breast carcinoma; BREAST CANCER, FAMILIAL; Hereditary breast cancer. Identifiers: Orphanet 227535, MedGen C0346153, MONDO:0016419, OMIM 114480. Disease mechanism: loss of function.

Submission:

Labcorp Genetics (formerly Invitae), Labcorp
Classification: Uncertain significance for Familial cancer of breast. Last evaluated: 2024-03-06. Review status: criteria provided, single submitter. Criteria: Invitae Variant Classification Sherloc (09022015). Collection method: clinical testing. Allele origin: germline.
Comment: This sequence change replaces glutamic acid, which is acidic and polar, with valine, which is neutral and non-polar, at codon 394 of the CHEK2 protein (p.Glu394Val). This variant is not present in population databases (gnomAD no frequency). This variant has not been reported in the literature in individuals affected with CHEK2-related conditions. An algorithm developed to predict the effect of missense changes on protein structure and function (PolyPhen-2) suggests that this variant is likely to be disruptive. In summary, the available evidence is currently insufficient to determine the role of this variant in disease. Therefore, it has been classified as a Variant of Uncertain Significance.